The following is an entry in ClinVar:

NM_007118.4(TRIO):c.7294_7295delinsAA (p.Ala2432Asn)

Gene: TRIO (trio Rho guanine nucleotide exchange factor; plus strand). Cytogenetic location: 5p15.2.
Variant type: Indel.
Coding change: c.7294_7295delinsAA on transcript NM_007118.4 (MANE Select); coding-DNA positions 7294 to 7295, GC replaced by AA.
Protein change: p.Ala2432Asn; replaces alanine 2432 with asparagine.
Molecular consequence: missense variant.
Genome position (GRCh38, 1-based): chr5:14,487,922-14,487,923, GC replaced by AA. VCF-style: chr5-14487922-GC-AA. GRCh37 (hg19) VCF-style: chr5-14488031-GC-AA.
Other names: p.Ala2432Asn; c.7294_7295delGCinsAA (NM_007118.4); short protein forms A2432N.
Identifiers: ClinVar variation 2571589 (VCV002571589.2), dbSNP rs2477475563, ClinGen allele CA2580613531.

ClinVar aggregate classification (germline): Uncertain significance (1 of 4 stars; one submission).

Conditions:
Intellectual developmental disorder, autosomal dominant 44, with microcephaly. Also called: TRIO-Related Intellectual Disability; Micrognathia-recurrent infections-behavioral abnormalities-mild intellectual disability syndrome. Identifiers: Orphanet 476126, MedGen C4310740, MONDO:0014892, OMIM 617061.

Submission:

Foundation for Research in Genetics and Endocrinology, FRIGE's Institute of Human Genetics
Classification: Uncertain significance for Intellectual developmental disorder, autosomal dominant 44, with microcephaly. Review status: criteria provided, single submitter. Criteria: ACMG Guidelines, 2015. Collection method: clinical testing. Allele origin: germline. Inheritance: Autosomal dominant inheritance. Affected: yes. Observed: 1 heterozygote.
Comment: A heterozygous missense variant in exon 48 of the TRIO gene that results in the amino acid substitution of Asparagine for Alanine at codon 2432 was detected. This variant has not been reported in the 1000 genomes, gnomAD, gnomdAD and topmed databases The in-silico predictions of the variant are possibly damaging by PolyPhen-2 (HumDiv). In summary, the variant meets our criteria to be classified as variant of uncertain significance. The reference region is conserved across species.